The following is an entry in ClinVar:

NM_007294.4(BRCA1):c.5467+3A>T

Gene: BRCA1 (BRCA1 DNA repair associated; minus strand). Cytogenetic location: 17q21.31.
Variant type: single nucleotide variant.
Coding change: c.5467+3A>T on transcript NM_007294.4 (MANE Select); 3 bases into the intron after coding-DNA position 5467, A replaced by T.
Molecular consequence: intron variant.
Genome position (GRCh38, 1-based): chr17:43,047,640, T>A on the plus strand (A>T on the coding strand, the complement: BRCA1 is on the minus strand). VCF-style: chr17-43047640-T-A. GRCh37 (hg19) VCF-style: chr17-41199657-T-A.
Other names: c.5254+3A>T (NM_001407894.1, NM_001407909.1, NM_001407906.1 and 12 more transcripts); c.5128+3A>T (NM_001407957.1, NM_001407958.1, NM_001407956.1); c.5131+3A>T (NM_001407953.1, NM_001407955.1, NM_001407951.1 and 3 more transcripts); c.5134+3A>T (NM_001407949.1, NM_001407946.1, NM_001407948.1 and 1 more transcripts); c.1831+3A>T (NM_001408506.1); c.1945+3A>T (NM_001408481.1, NM_001408490.1, NM_001408489.1 and 5 more transcripts); c.1948+3A>T (NM_001408480.1, NM_001408479.1, NM_001408478.1); c.5257+3A>T (NM_001407887.1, NM_001407889.1, NM_001407884.1 and 5 more transcripts); and 83 more.
Identifiers: ClinVar variation 864879 (VCV000864879.3), dbSNP rs431825417, ClinGen allele CA916080771.

Conditions:
Breast-ovarian cancer, familial, susceptibility to, 1 (BROVCA1). Also called: BRCA1 Hereditary Breast and Ovarian Cancer; OVARIAN CANCER, SUSCEPTIBILITY TO. Identifiers: Orphanet 145, MedGen C2676676, MONDO:0011450, OMIM 604370. Disease mechanism: loss of function.

Submission:

Brotman Baty Institute, University of Washington
No classification provided (evidence only). Condition: Breast-ovarian cancer, familial 1. Review status: no classification provided. Collection method: in vitro. Allele origin: not applicable. Functional consequence: functionally_abnormal.
ClinVar note: "not provided" was previously submitted as the classification for the variant. However, the classification appeared to be based only on an observation of functional data so it was converted to no classification on 2025-07-30.